The following is an entry in ClinVar:

ClinVar aggregate classification (germline): Uncertain significance (1 of 4 stars; one submission).

Conditions:
Idiopathic generalized epilepsy. Also called: EIG; Generalised epilepsy. Identifiers: MedGen C0270850, MONDO:0005579, OMIM 600669.
Hyperaldosteronism, familial, type IV (HALD4). Also called: FH IV; ALDOSTERONISM, PRIMARY, AND HYPERTENSION. Identifiers: Orphanet 642671, MedGen C4310756, MONDO:0014875, OMIM 617027.

Submission:

Labcorp Genetics (formerly Invitae), Labcorp
Classification: Uncertain significance for Idiopathic generalized epilepsy; Hyperaldosteronism, familial, type IV. Last evaluated: 2025-08-09. Review status: criteria provided, single submitter. Criteria: Invitae Variant Classification Sherloc (09022015). Collection method: clinical testing. Allele origin: germline.
Comment: This sequence change replaces proline, which is neutral and non-polar, with serine, which is neutral and polar, at codon 22 of the CACNA1H protein (p.Pro22Ser). This variant is not present in population databases (gnomAD no frequency). This variant has not been reported in the literature in individuals affected with CACNA1H-related conditions. Invitae Evidence Modeling of protein sequence and biophysical properties (such as structural, functional, and spatial information, amino acid conservation, physicochemical variation, residue mobility, and thermodynamic stability) indicates that this missense variant is not expected to disrupt CACNA1H protein function with a negative predictive value of 95%. In summary, the available evidence is currently insufficient to determine the role of this variant in disease. Therefore, it has been classified as a Variant of Uncertain Significance.

NM_021098.3(CACNA1H):c.64C>T (p.Pro22Ser)

Gene: CACNA1H (calcium voltage-gated channel subunit alpha1 H; plus strand). Cytogenetic location: 16p13.3.
Variant type: single nucleotide variant.
Coding change: c.64C>T on transcript NM_021098.3 (MANE Select); coding-DNA position 64, C replaced by T.
Protein change: p.Pro22Ser; replaces proline 22 with serine.
Molecular consequence: missense variant.
Genome position (GRCh38, 1-based): chr16:1,153,801, C>T. VCF-style: chr16-1153801-C-T. GRCh37 (hg19) VCF-style: chr16-1203801-C-T.
Other names: c.64C>T, p.Pro22Ser (NM_001005407.2); short protein forms P22S.
Identifiers: ClinVar variation 4792969 (VCV004792969.1).